The following is an entry in ClinVar:

ClinVar aggregate classification (germline): Uncertain significance. Review status: criteria provided, multiple submitters, no conflicts (2 of 4 stars). 2 submissions from 2 submitters: Uncertain significance (2). Last evaluated 2024-04-22.

Conditions:
Inborn genetic diseases. Identifiers: MedGen C0950123, MeSH D030342.

Submissions (2):

Ambry Genetics
Classification: Uncertain significance for Inborn genetic diseases. Last evaluated: 2024-04-22. Review status: criteria provided, single submitter. Criteria: Ambry Variant Classification Scheme 2023. Collection method: clinical testing. Allele origin: germline.

Labcorp Genetics (formerly Invitae), Labcorp
Classification: Uncertain significance. Last evaluated: 2024-02-26. Review status: criteria provided, single submitter. Criteria: Invitae Variant Classification Sherloc (09022015). Collection method: clinical testing. Allele origin: germline.
Comment: This sequence change replaces alanine, which is neutral and non-polar, with valine, which is neutral and non-polar, at codon 220 of the MAGEL2 protein (p.Ala220Val). The frequency data for this variant in the population databases is considered unreliable, as metrics indicate poor data quality at this position in the gnomAD database. This variant has not been reported in the literature in individuals affected with MAGEL2-related conditions. Algorithms developed to predict the effect of missense changes on protein structure and function output the following: SIFT: "Not Available"; PolyPhen-2: "Not Available"; Align-GVGD: "Not Available". The valine amino acid residue is found in multiple mammalian species, which suggests that this missense change does not adversely affect protein function. In summary, the available evidence is currently insufficient to determine the role of this variant in disease. Therefore, it has been classified as a Variant of Uncertain Significance.

NM_019066.5(MAGEL2):c.659C>T (p.Ala220Val)

Gene: MAGEL2 (MAGE family member L2; minus strand). Cytogenetic location: 15q11.2.
Variant type: single nucleotide variant.
Coding change: c.659C>T on transcript NM_019066.5 (MANE Select); coding-DNA position 659, C replaced by T.
Protein change: p.Ala220Val; replaces alanine 220 with valine.
Molecular consequence: missense variant.
Genome position (GRCh38, 1-based): chr15:23,647,084, G>A on the plus strand (C>T on the coding strand, the complement: MAGEL2 is on the minus strand). VCF-style: chr15-23647084-G-A. GRCh37 (hg19) VCF-style: chr15-23892231-G-A.
Other names: short protein forms A220V.
Identifiers: ClinVar variation 3292684 (VCV003292684.3).
Genomic context (GRCh38, chr15:23,647,084, plus strand): 5'-GCCATCAGGACTCCCGGAGCTGGAGGCTGGGCCATCGGTGTACCCGGAGGGGGAGGATGA[G>A]CCATCGGTGTCCCCGGAGGTGGAGGATGAGCCATCGGTGTCCCCGGAGGGGGAGGATGAG-3'
Protein context (NP_061939.3, residues 210-230): AHPPPPGTPM[Ala220Val]HPPPPGTPMA